The following is an entry in ClinVar:

ClinVar aggregate classification (germline): Conflicting classifications of pathogenicity. Review status: criteria provided, conflicting classifications (1 of 4 stars). 4 submissions from 4 submitters: Uncertain significance (1); Likely benign (2). 1 of the submissions does not count toward it. Last evaluated 2026-02-02.

Conditions:
TMEM38B-related disorder. Also called: TMEM38B-related condition.

Allele frequency attached by ClinVar (database versions not stated): gnomAD 0.00094 and 0.00103; 1000 Genomes Project 30x 0.00156; ESP Exome Variant Server 0.00092; 1000 Genomes Project 0.00160; TOPMed 0.00129.
gnomAD v4.1: 316 of 1,613,710 alleles (0.02%); highest among the groups gnomAD compares: African/African-American, 0.32%; no homozygotes.

Submissions (4):

GeneDx
Classification: Uncertain significance. Last evaluated: 2026-02-02. Review status: criteria provided, single submitter. Criteria: GeneDx Variant Classification Process June 2021. Collection method: clinical testing. Allele origin: germline.
Comment: In silico analysis suggests that this missense variant does not alter protein structure/function; Has not been previously published as pathogenic or benign to our knowledge

Labcorp Genetics (formerly Invitae), Labcorp
Classification: Likely benign. Last evaluated: 2026-01-13. Review status: criteria provided, single submitter. Criteria: Invitae Variant Classification Sherloc (09022015). Collection method: clinical testing. Allele origin: germline.

Women's Health and Genetics/Laboratory Corporation of America, LabCorp
Classification: Likely benign. Last evaluated: 2023-09-27. Review status: criteria provided, single submitter. Criteria: LabCorp Variant Classification Summary - May 2015. Collection method: clinical testing. Allele origin: germline.
Comment: Variant summary: TMEM38B c.803G>A (p.Gly268Glu) results in a non-conservative amino acid change in the encoded protein sequence. Four of five in-silico tools predict a benign effect of the variant on protein function. The variant allele was found at a frequency of 0.00032 in 251226 control chromosomes, predominantly at a frequency of 0.0034 within the African or African-American subpopulation in the gnomAD database. The observed variant frequency within African or African-American control individuals in the gnomAD database is approximately 3 fold of the estimated maximal expected allele frequency for a pathogenic variant in TMEM38B causing Osteogenesis Imperfecta phenotype (0.0011), strongly suggesting that the variant is a benign polymorphism found primarily in populations of African or African-American origin. To our knowledge, no occurrence of c.803G>A in individuals affected with Osteogenesis Imperfecta and no experimental evidence demonstrating its impact on protein function have been reported. One submitter has cited clinical-significance assessments for this variant to ClinVar after 2014 and has classified the variant as likely benign. Based on the evidence outlined above, the variant was classified as likely benign.

PreventionGenetics, part of Exact Sciences
Classification: Likely benign for TMEM38B-related condition. Last evaluated: 2022-10-27. Review status: no assertion criteria provided. Collection method: clinical testing. Allele origin: germline. Not counted in ClinVar's aggregate classification.
Comment: This variant is classified as likely benign based on ACMG/AMP sequence variant interpretation guidelines (Richards et al. 2015 PMID: 25741868, with internal and published modifications).

NM_018112.3(TMEM38B):c.803G>A (p.Gly268Glu)

Gene: TMEM38B (transmembrane protein 38B; plus strand). Cytogenetic location: 9q31.2.
Variant type: single nucleotide variant.
Coding change: c.803G>A on transcript NM_018112.3 (MANE Select); coding-DNA position 803, G replaced by A.
Protein change: p.Gly268Glu; replaces glycine 268 with glutamic acid.
Molecular consequence: missense variant.
Genome position (GRCh38, 1-based): chr9:105,774,007, G>A. VCF-style: chr9-105774007-G-A. GRCh37 (hg19) VCF-style: chr9-108536288-G-A.
Other names: short protein forms G268E.
Identifiers: ClinVar variation 722605 (VCV000722605.14), dbSNP rs148378635, ClinGen allele CA5171017.